The following is an entry in ClinVar:

NM_172107.4(KCNQ2):c.69C>T (p.Gly23=)

Gene: KCNQ2 (potassium voltage-gated channel subfamily Q member 2; minus strand). Cytogenetic location: 20q13.33.
Variant type: single nucleotide variant.
Coding change: c.69C>T on transcript NM_172107.4 (MANE Select); coding-DNA position 69, C replaced by T.
Protein change: p.Gly23=; no amino-acid change (glycine 23 retained).
Molecular consequence: synonymous variant.
Genome position (GRCh38, 1-based): chr20:63,472,395, G>A on the plus strand (C>T on the coding strand, the complement: KCNQ2 is on the minus strand). VCF-style: chr20-63472395-G-A. GRCh37 (hg19) VCF-style: chr20-62103748-G-A.
Other names: c.69C>T, p.Gly23= (NM_001382235.1, NM_004518.6, NM_172106.3 and 2 more transcripts).
Identifiers: ClinVar variation 2895846 (VCV002895846.3), dbSNP rs557817471, ClinGen allele CA511339948.
Genomic context (GRCh38, chr20:63,472,395, plus strand): 5'-GGCGATCAGCAGCGCCCCGTCCCGGGTGGAGTCGGGCGCGCCGGGGTCCAGCCCCACGAA[G>A]CCCACCTTCAGCTTCTTCTCCCCGCTCGGGCCGGGGTATACGCCGCCGTTGCGCGACTTC-3'
Protein context (NP_742105.1, residues 13-33): GPSGEKKLKV[Gly23=]FVGLDPGAPD

ClinVar aggregate classification (germline): Uncertain significance (1 of 4 stars; one submission).

Conditions:
Early-infantile DEE. Also called: Ohtahara syndrome; Early infantile epileptic encephalopathy with suppression bursts; Early infantile epileptic encephalopathy. Identifiers: Orphanet 1934, MedGen C0393706, MONDO:0800491.

Submission:

Labcorp Genetics (formerly Invitae), Labcorp
Classification: Uncertain significance for Early-infantile DEE. Last evaluated: 2023-08-04. Review status: criteria provided, single submitter. Criteria: Invitae Variant Classification Sherloc (09022015). Collection method: clinical testing. Allele origin: germline.
Comment: In summary, the available evidence is currently insufficient to determine the role of this variant in disease. Therefore, it has been classified as a Variant of Uncertain Significance. Algorithms developed to predict the effect of sequence changes on RNA splicing suggest that this variant may create or strengthen a splice site. This variant has not been reported in the literature in individuals affected with KCNQ2-related conditions. This variant is not present in population databases (gnomAD no frequency). This sequence change affects codon 23 of the KCNQ2 mRNA. It is a 'silent' change, meaning that it does not change the encoded amino acid sequence of the KCNQ2 protein.